The following is an entry in ClinVar:

ClinVar aggregate classification (germline): Pathogenic (1 of 4 stars; one submission).

Conditions:
Primary ciliary dyskinesia 3. Identifiers: Orphanet 244, MedGen C1837618, MONDO:0012085, OMIM 608644.

Submission:

Myriad Genetics, Inc.
Classification: Pathogenic for Primary ciliary dyskinesia 3. Last evaluated: 2024-05-14. Review status: criteria provided, single submitter. Criteria: Myriad Autosomal Dominant, Autosomal Recessive and X-Linked Classification Criteria (2023). Collection method: clinical testing. Allele origin: unknown.
Comment: NM_001369.2(DNAH5):c.4917_4918ins11(V1640Lfs*23) is expected to be pathogenic in the context of primary ciliary dyskinesia, DNAH5-related. This variant is predicted to lead to an abnormal or absent protein product due to the creation of a premature termination codon in DNAH5, a gene where loss-of-function variants are known to be pathogenic. Please note: this variant was assessed in the context of healthy population screening.

NM_001369.3(DNAH5):c.4917_4918insCTCACTCATAA (p.Val1640fs)

Genes: DNAH5 (dynein axonemal heavy chain 5; minus strand), LOC126807318 (MED14-independent group 3 enhancer GRCh37_chr5:13858976-13860175; plus strand). Cytogenetic location: 5p15.2.
Variant type: Insertion.
Coding change: c.4917_4918insCTCACTCATAA on transcript NM_001369.3 (MANE Select); coding-DNA positions 4917 to 4918, CTCACTCATAA inserted.
Protein change: p.Val1640fs; shifts the reading frame from valine 1640.
Molecular consequence: frameshift variant.
Genome position: GRCh38 VCF-style: chr5-13859484-C-CTTATGAGTGAG. GRCh37 (hg19) VCF-style: chr5-13859593-C-CTTATGAGTGAG.
Other names: short protein forms V1640fs.
Identifiers: ClinVar variation 5011169 (VCV005011169.1).
Genomic context (GRCh38, chr5:13,859,484, plus strand): 5'-GATGAAATCATAAAGAAGATTACAAAACCTTGGGCAGCTGCTTGGCAATGTCTCCTCCCA[C>CTTATGAGTGAG]AAAGACAGCTTCTAAATAAATCCACAGGTTTTGCACCGTCATCCAGCTCTCGATGATGTC-3'